The following is an entry in ClinVar:

NM_004247.4(EFTUD2):c.2561+1G>T

Gene: EFTUD2 (elongation factor Tu GTP binding domain containing 2; minus strand). Cytogenetic location: 17q21.31.
Variant type: single nucleotide variant.
Coding change: c.2561+1G>T on transcript NM_004247.4 (MANE Select); the canonical splice donor site of the intron after coding-DNA position 2561, G replaced by T.
Molecular consequence: splice donor variant.
Genome position (GRCh38, 1-based): chr17:44,853,295, C>A on the plus strand (G>T on the coding strand, the complement: EFTUD2 is on the minus strand). VCF-style: chr17-44853295-C-A. GRCh37 (hg19) VCF-style: chr17-42930663-C-A.
Other names: c.2456+1G>T (NM_001142605.2); c.2531+1G>T (NM_001258354.2); c.2561+1G>T (NM_001258353.2).
Identifiers: ClinVar variation 4846785 (VCV004846785.1).
Genomic context (GRCh38, chr17:44,853,295, plus strand): 5'-AGGTGACTCTTGTTCTGCTCTTGCTCTCAGCACTCTCCCTAATACGCCTGGGGCCGCTCA[C>A]CTGCGCCTGGCCAGGACGGTATAAACTGCAGAGACGCAATCTGCAGGGGCCTGGACCTCT-3'

ClinVar aggregate classification (germline): Likely pathogenic (1 of 4 stars; one submission).

Conditions:
Mandibulofacial dysostosis-microcephaly syndrome (MFDGA). Also called: Growth and mental retardation, mandibulofacial dysostosis, microcephaly, and cleft palate; Mandibulofacial dysostosis, Guion-Almeida type. Identifiers: Orphanet 79113, MedGen C1864652, MONDO:0012516, OMIM 610536.

Submission:

Laboratorio de Genetica e Diagnostico Molecular, Hospital Israelita Albert Einstein
Classification: Likely pathogenic for Mandibulofacial dysostosis-microcephaly syndrome. Last evaluated: 2025-08-29. Review status: criteria provided, single submitter. Criteria: ACMG Guidelines, 2015. Collection method: clinical testing. Allele origin: germline. Affected: yes.
Comment: ACMG classification criteria: PVS1 very strong, PM2 supporting